The following is an entry in ClinVar:

ClinVar aggregate classification (germline): Uncertain significance (1 of 4 stars; one submission).

Conditions:
Perlman syndrome (PRLMNS). Identifiers: Orphanet 2849, MedGen C0796113, MONDO:0009965, OMIM 267000.

Submission:

Labcorp Genetics (formerly Invitae), Labcorp
Classification: Uncertain significance for Perlman syndrome. Last evaluated: 2023-10-13. Review status: criteria provided, single submitter. Criteria: Invitae Variant Classification Sherloc (09022015). Collection method: clinical testing. Allele origin: germline.
Comment: This sequence change replaces leucine, which is neutral and non-polar, with proline, which is neutral and non-polar, at codon 155 of the DIS3L2 protein (p.Leu155Pro). This variant is not present in population databases (gnomAD no frequency). This variant has not been reported in the literature in individuals affected with DIS3L2-related conditions. ClinVar contains an entry for this variant (Variation ID: 1019445). Algorithms developed to predict the effect of missense changes on protein structure and function output the following: SIFT: "Not Available"; PolyPhen-2: "Benign"; Align-GVGD: "Not Available". The proline amino acid residue is found in multiple mammalian species, which suggests that this missense change does not adversely affect protein function. In summary, the available evidence is currently insufficient to determine the role of this variant in disease. Therefore, it has been classified as a Variant of Uncertain Significance.

NM_152383.5(DIS3L2):c.464T>C (p.Leu155Pro)

Gene: DIS3L2 (DIS3 like 3'-5' exoribonuclease 2; plus strand). Cytogenetic location: 2q37.1.
Variant type: single nucleotide variant.
Coding change: c.464T>C on transcript NM_152383.5 (MANE Select); coding-DNA position 464, T replaced by C.
Protein change: p.Leu155Pro; replaces leucine 155 with proline.
Molecular consequence: missense variant. On other transcripts: non-coding transcript variant (2).
Genome position (GRCh38, 1-based): chr2:232,087,584, T>C. VCF-style: chr2-232087584-T-C. GRCh37 (hg19) VCF-style: chr2-232952294-T-C.
Other names: c.464T>C, p.Leu155Pro (NM_001257281.2, NM_001257282.2); short protein forms L155P.
Identifiers: ClinVar variation 1019445 (VCV001019445.6), dbSNP rs1696701792, ClinGen allele CA351155029.
Genomic context (GRCh38, chr2:232,087,584, plus strand): 5'-CTGCGTATGAATCAGATATCCCCGAGGAGCTCTGTGGACACCATCTCCCGCAACAGTCCC[T>C]GAAAAGCTATAATGACAGTCCTGATGTCATTGTAGAGGCTCAGTTTGATGGCAGCGACTC-3'
Protein context (NP_689596.4, residues 145-165): LCGHHLPQQS[Leu155Pro]KSYNDSPDVI